The following is an entry in ClinVar:

ClinVar aggregate classification (germline): Conflicting classifications of pathogenicity. Review status: criteria provided, conflicting classifications (1 of 4 stars). 8 submissions from 8 submitters: Pathogenic (3); Likely pathogenic (2); Uncertain significance (2). 1 of the submissions does not count toward it. Last evaluated 2026-02-25.

Conditions:
Psychomotor regression-oculomotor apraxia-movement disorder-nephropathy syndrome (BILAPES). Also called: Birk-Landau-Perez syndrome. Identifiers: Orphanet 505242, MedGen C4539828, MONDO:0044726, OMIM 617595.
Inborn genetic diseases. Identifiers: MedGen C0950123, MeSH D030342.

Allele frequency attached by ClinVar (database versions not stated): ExAC 0.00001; gnomAD exomes 0.00001; TOPMed 0.00010; gnomAD 0.00011 and 0.00012.

Submissions (8):

Dasa
Classification: Pathogenic. Last evaluated: 2026-02-25. Review status: criteria provided, single submitter. Criteria: DASA Assertion Criteria. Collection method: clinical testing. Allele origin: germline.
Comment: NM_006345.4(SLC30A9):c.40del (p.Ser14Alafs*28) introduces a premature termination codon predicted to result in loss of normal protein function. Loss-of-function is an established mechanism of disease for this gene. This variant has been reported in an affected individual with related phenotype in a genotype context consistent with recessive disease (PMID: 34716203). The variant is present at low frequency in population datasets. Based on the available data, this variant is classified as pathogenic.

Ambry Genetics
Classification: Pathogenic for Inborn genetic diseases. Last evaluated: 2025-08-13. Review status: criteria provided, single submitter. Criteria: Ambry Variant Classification Scheme 2023. Collection method: clinical testing. Allele origin: germline.
Comment: The c.40delA (p.S14Afs*28) alteration, located in exon 1 (coding exon 1) of the SLC30A9 gene, consists of a deletion of one nucleotide at position 40, causing a translational frameshift with a predicted alternate stop codon after 28 amino acids. This alteration is expected to result in loss of function by premature protein truncation or nonsense-mediated mRNA decay. Based on data from gnomAD, the deleted allele has an overall frequency of 0.002% (6/276854) total alleles studied. The highest observed frequency was 0.021% (5/23980) of African alleles. This variant has been identified in the homozygous state and/or in conjunction with other SLC30A9 variant(s) in individual(s) with features consistent with Birk-Landau-Perez syndrome; in at least one instance, the variants were identified in trans (Kleyner, 2022). Based on the available evidence, this alteration is classified as pathogenic.

Rady Children's Institute for Genomic Medicine, Rady Children's Hospital San Diego
Classification: Likely pathogenic for BIRK-LANDAU-PEREZ SYNDROME. Last evaluated: 2024-04-12. Review status: criteria provided, single submitter. Criteria: ACMG Guidelines, 2015. Collection method: clinical testing. Allele origin: germline. Affected: yes.
Comment: This frameshifting variant in exon 1 of 18 is predicted to result in loss of normal protein function through either protein truncation or nonsense-mediated mRNA decay. Loss-of-function variation has been reported in individuals with SLC30A9-related disease (PMID: 37576556, 37041080). This variant has been previously reported as a compound heterozygous change in an individual with cerebrorenal syndrome (PMID: 34716203). The c.40del (p.Ser14AlafsTer28) variant is present in the heterozygous state in the gnomAD v4 population database at a frequency of 0.002% (29/1611810), and is absent in the homozygous state, thus is presumed to be rare. Based on the available evidence, c.40del (p.Ser14AlafsTer28) is classified as Likely Pathogenic.

GeneDx
Classification: Uncertain significance. Last evaluated: 2024-01-04. Review status: criteria provided, single submitter. Criteria: GeneDx Variant Classification Process June 2021. Collection method: clinical testing. Allele origin: germline. Affected: yes.
Comment: Observed with a second SLC30A9 variant in a patient with SLC30A9-related cerebro-renal syndrome in published literature (PMID: 34716203); Frameshift variant predicted to result in protein truncation or nonsense mediated decay in a gene or region of a gene for which loss of function is not a well-established mechanism of disease; This variant is associated with the following publications: (PMID: 37576556, 34716203)

3billion
Classification: Pathogenic for Psychomotor regression-oculomotor apraxia-movement disorder-nephropathy syndrome. Last evaluated: 2022-01-03. Review status: criteria provided, single submitter. Criteria: ACMG Guidelines, 2015. Collection method: clinical testing. Allele origin: germline. Affected: yes. Observed: 1 heterozygote.
Comment: Frameshift: predicted to result in a loss or disruption of normal protein function through nonsense-mediated decay (NMD) or protein truncation. Multiple pathogenic variants are reported downstream of the variant (PVS1_VS). It is observed at an extremely low frequency in the gnomAD v2.1.1 dataset (total allele frequency: 0.000022, PM2_M).The variant has been reported to be associated with SLC30A9 related disorder (ClinVar ID: VCV001300159). Therefore, this variant is classified as pathogenic according to the recommendation of ACMG/AMP guideline.

Blueprint Genetics
Classification: Uncertain significance. Last evaluated: 2019-11-19. Review status: criteria provided, single submitter. Criteria: ACMG Guidelines, 2015. Collection method: clinical testing. Allele origin: germline.

Genome Medicine, Institute for Basic Research in Developmental Disabilities
Classification: Likely pathogenic for Psychomotor regression-oculomotor apraxia-movement disorder-nephropathy syndrome. Review status: criteria provided, single submitter. Criteria: ACMG Guidelines, 2015. Collection method: clinical testing. Allele origin: inherited. Inheritance: Autosomal recessive inheritance. Affected: yes.

OMIM
Classification: Pathogenic for BIRK-LANDAU-PEREZ SYNDROME. Last evaluated: 2022-05-04. Review status: no assertion criteria provided. Collection method: literature only. Allele origin: germline. Not counted in ClinVar's aggregate classification.

Literature cited by the submitters: PubMed 34716203 (cited by 3 submitters); DOI 10.1101/2021.07.21.21260807 (cited by Genome Medicine, Institute for Basic Research in Developmental Disabilities).

NM_006345.4(SLC30A9):c.40del (p.Ser14fs)

Gene: SLC30A9 (solute carrier family 30 member 9; plus strand). Cytogenetic location: 4p13.
Variant type: Deletion.
Coding change: c.40del on transcript NM_006345.4 (MANE Select); coding-DNA position 40, one base deleted (A; older notation c.40delA).
Protein change: p.Ser14fs; shifts the reading frame from serine 14.
Molecular consequence: frameshift variant.
Genome position (GRCh38, 1-based): chr4:41,990,691, A deleted. VCF-style (leftmost placement, unchanged base first): chr4-41990690-TA-T. GRCh37 (hg19) VCF-style: chr4-41992707-TA-T.
Other names: c.40delA (NM_006345.3); short protein forms S14fs.
Identifiers: ClinVar variation 1300159 (VCV001300159.11), dbSNP rs767078182, ClinGen allele CA2902111.